The following is an entry in ClinVar:

ClinVar aggregate classification (germline): Pathogenic/Likely pathogenic. Review status: criteria provided, multiple submitters, no conflicts (2 of 4 stars). 3 submissions from 3 submitters: Pathogenic (1); Likely pathogenic (1). 1 of the submissions does not count toward it. Last evaluated 2025-10-27.

Conditions:
LRSAM1-related disorder. Also called: LRSAM1-related condition.
Charcot-Marie-Tooth disease. Also called: Charcot-Marie-Tooth Hereditary Neuropathy; Charcot-Marie-Tooth Neuropathy. Identifiers: Orphanet 166, MedGen C0007959, MONDO:0015626.
Charcot-Marie-Tooth disease axonal type 2P. Also called: Charcot-Marie-Tooth Neuropathy Type 2G; CHARCOT-MARIE-TOOTH DISEASE, AXONAL, TYPE 2G; CMT 2G; CHARCOT-MARIE-TOOTH NEUROPATHY, TYPE 2P. Identifiers: Orphanet 300319, Orphanet 99941, MedGen C3280797, MONDO:0013753, OMIM 614436.

Submissions (3):

Labcorp Genetics (formerly Invitae), Labcorp
Classification: Likely pathogenic for Charcot-Marie-Tooth disease axonal type 2P. Last evaluated: 2025-10-27. Review status: criteria provided, single submitter. Criteria: Invitae Variant Classification Sherloc (09022015). Collection method: clinical testing. Allele origin: germline.
Comment: This sequence change creates a premature translational stop signal (p.Glu669*) in the LRSAM1 gene. While this is not anticipated to result in nonsense mediated decay, it is expected to disrupt the last 55 amino acid(s) of the LRSAM1 protein. This variant is not present in population databases (gnomAD no frequency). This premature translational stop signal has been observed in individual(s) with Charcot-Marie-Tooth disease (internal data). ClinVar contains an entry for this variant (Variation ID: 695013). This protein change is located in a region of the LRSAM1 protein where a significant number of LRSAM1 nonsense and frameshift mutations have been reported in autosomal dominant Charcot-Marie-Tooth disease (PMID: 33414056, 31211173, 29341362). In summary, the currently available evidence indicates that the variant is pathogenic, but additional data are needed to prove that conclusively. Therefore, this variant has been classified as Likely Pathogenic.

Blueprint Genetics
Classification: Pathogenic for LRSAM1-related disorders. Last evaluated: 2022-02-01. Review status: criteria provided, single submitter. Criteria: ACMG Guidelines, 2015. Collection method: clinical testing. Allele origin: germline. Affected: yes. Observed: 2 variant alleles.

Genesis Genome Database
Classification: Uncertain significance for Charcot-Marie-Tooth disease. Last evaluated: 2019-08-14. Review status: no assertion criteria provided. Collection method: research. Allele origin: germline. Affected: yes. Not counted in ClinVar's aggregate classification.

Literature cited by the submitters: PubMed 33414056 (cited by Labcorp Genetics (formerly Invitae), Labcorp); PubMed 31211173 (cited by Labcorp Genetics (formerly Invitae), Labcorp); PubMed 29341362 (cited by Labcorp Genetics (formerly Invitae), Labcorp).

NM_001005373.4(LRSAM1):c.2005G>T (p.Glu669Ter)

Gene: LRSAM1 (leucine rich repeat and sterile alpha motif containing 1; plus strand). Cytogenetic location: 9q34.11.
Variant type: single nucleotide variant.
Coding change: c.2005G>T on transcript NM_001005373.4 (MANE Select); coding-DNA position 2005, G replaced by T.
Protein change: p.Glu669Ter; replaces glutamic acid 669 with a stop codon.
Molecular consequence: nonsense. On other transcripts: non-coding transcript variant (2).
Genome position (GRCh38, 1-based): chr9:127,501,102, G>T. VCF-style: chr9-127501102-G-T. GRCh37 (hg19) VCF-style: chr9-130263381-G-T.
Other names: c.2005G>T, p.Glu669Ter (NM_001005374.4, NM_001384142.1, NM_138361.5); c.1924G>T, p.Glu642Ter (NM_001190723.3); c.1906G>T, p.Glu636Ter (NM_001384143.1); c.1216G>T, p.Glu406Ter (NM_001384144.1); short protein forms E642*, E669*, E406*, E636*.
Identifiers: ClinVar variation 695013 (VCV000695013.10), dbSNP rs1588143112, ClinGen allele CA374938291.